The following is an entry in ClinVar:

NM_005573.4(LMNB1):c.590G>A (p.Arg197His)

Gene: LMNB1 (lamin B1; plus strand). Cytogenetic location: 5q23.2.
Variant type: single nucleotide variant.
Coding change: c.590G>A on transcript NM_005573.4 (MANE Select); coding-DNA position 590, G replaced by A.
Protein change: p.Arg197His; replaces arginine 197 with histidine.
Molecular consequence: missense variant. On other transcripts: 5 prime UTR variant (1), non-coding transcript variant (2).
Genome position (GRCh38, 1-based): chr5:126,805,644, G>A. VCF-style: chr5-126805644-G-A. GRCh37 (hg19) VCF-style: chr5-126141336-G-A.
Other names: c.-41G>A (NM_001198557.2); short protein forms R197H.
Identifiers: ClinVar variation 3867510 (VCV003867510.3).

ClinVar aggregate classification (germline): Uncertain significance. Review status: criteria provided, multiple submitters, no conflicts (2 of 4 stars). 2 submissions from 2 submitters: Uncertain significance (2). Last evaluated 2025-11-03.

Conditions:
Inborn genetic diseases. Identifiers: MedGen C0950123, MeSH D030342.

gnomAD v4.1: 10 of 1,612,896 alleles (0.00062%); highest among the groups gnomAD compares: South Asian, 0.0022%; no homozygotes.

Submissions (2):

Dasa
Classification: Uncertain significance. Last evaluated: 2025-11-03. Review status: criteria provided, single submitter. Criteria: DASA Assertion Criteria. Collection method: clinical testing. Allele origin: germline.
Comment: NM_005573.4(LMNB1):c.590G>A (p.Arg197His) is a missense variant that results in the substitution of arginine with histidine. This variant is rare in population databases. Computational prediction algorithms are consistent with a deleterious effect. The currently available literature and clinical evidence are not sufficient to establish a definitive association between this variant and the reported condition. Therefore, this variant is classified as a variant of uncertain significance.

Ambry Genetics
Classification: Uncertain significance for Inborn genetic diseases. Last evaluated: 2025-03-03. Review status: criteria provided, single submitter. Criteria: Ambry Variant Classification Scheme 2023. Collection method: clinical testing. Allele origin: germline.